The following is an entry in ClinVar:

NM_012470.4(TNPO3):c.2741C>T (p.Ala914Val)

Gene: TNPO3 (transportin 3; minus strand). Cytogenetic location: 7q32.1.
Variant type: single nucleotide variant.
Coding change: c.2741C>T on transcript NM_012470.4 (MANE Select); coding-DNA position 2741, C replaced by T.
Protein change: p.Ala914Val; replaces alanine 914 with valine.
Molecular consequence: missense variant. On other transcripts: non-coding transcript variant (18), intron variant (2).
Genome position (GRCh38, 1-based): chr7:128,957,286, G>A on the plus strand (C>T on the coding strand, the complement: TNPO3 is on the minus strand). VCF-style: chr7-128957286-G-A. GRCh37 (hg19) VCF-style: chr7-128597340-G-A.
Other names: c.2549C>T, p.Ala850Val (NM_001191028.3); c.2843C>T, p.Ala948Val (NM_001382216.1); c.2822C>T, p.Ala941Val (NM_001382217.1); c.2633C>T, p.Ala878Val (NM_001382219.1); c.2600C>T, p.Ala867Val (NM_001382220.1); c.2597C>T, p.Ala866Val (NM_001382221.1); c.2594C>T, p.Ala865Val (NM_001382222.1); c.2520-1901C>T (NM_001382223.1); and 1 more; short protein forms A914V, A850V, A865V, A866V, A867V, A878V, A941V, A948V.
Identifiers: ClinVar variation 282446 (VCV000282446.42), dbSNP rs61756249, ClinGen allele CA4477795.
Genomic context (GRCh38, chr7:128,957,286, plus strand): 5'-GGGTGACAGGCACAGTGCAGGAGTGTGAGCTATCGAAACAACCTGGTGAAGTCTCGCAAG[G>A]CCCAGCAAACTTGTTTACATTCCTCAGCACTAGAAAAGAAAAGGTAGGTTGGTCCTTGAC-3'
Protein context (NP_036602.1, residues 904-923): SAEECKQVCW[Ala914Val]LRDFTRLFR

ClinVar aggregate classification (germline): Conflicting classifications of pathogenicity. Review status: criteria provided, conflicting classifications (1 of 4 stars). 6 submissions from 6 submitters: Uncertain significance (1); Benign (2); Likely benign (2). 1 of the submissions does not count toward it. Last evaluated 2026-01-25.

Conditions:
TNPO3-related disorder. Also called: TNPO3-related condition.
Autosomal dominant limb-girdle muscular dystrophy type 1F (LGMDD2). Also called: Limb-girdle muscular dystrophy, type 1F; MUSCULAR DYSTROPHY, LIMB-GIRDLE, AUTOSOMAL DOMINANT 2. Identifiers: Orphanet 55595, MedGen C1842062, MONDO:0012034, OMIM 608423.

Allele frequency attached by ClinVar (database versions not stated): ESP Exome Variant Server 0.00023; 1000 Genomes Project 0.00040; 1000 Genomes Project 30x 0.00047; ExAC 0.00049; gnomAD 0.00061 and 0.00062; gnomAD exomes 0.00065; TOPMed 0.00071.
gnomAD v4.1: 638 of 1,614,122 alleles (0.04%); highest among the groups gnomAD compares: Middle Eastern, 1.2%; 1 homozygote.

Submissions (6):

Labcorp Genetics (formerly Invitae), Labcorp
Classification: Likely benign for Autosomal dominant limb-girdle muscular dystrophy type 1F. Last evaluated: 2026-01-25. Review status: criteria provided, single submitter. Criteria: Invitae Variant Classification Sherloc (09022015). Collection method: clinical testing. Allele origin: germline.

Blueprint Genetics
Classification: Likely benign. Last evaluated: 2024-11-21. Review status: criteria provided, single submitter. Criteria: ACMG Guidelines, 2015. Collection method: clinical testing. Allele origin: germline.

CeGaT Center for Human Genetics Tuebingen
Classification: Benign. Last evaluated: 2024-04-01. Review status: criteria provided, single submitter. Criteria: CeGaT Center For Human Genetics Tuebingen Variant Classification Criteria Version 2. Collection method: clinical testing. Allele origin: germline. Affected: yes. Observed: 1 variant allele.
Comment: TNPO3: BS1, BS2

GeneDx
Classification: Benign. Last evaluated: 2019-07-18. Review status: criteria provided, single submitter. Criteria: GeneDx Variant Classification Process June 2021. Collection method: clinical testing. Allele origin: germline. Affected: yes.

Eurofins Ntd Llc (ga)
Classification: Uncertain significance. Last evaluated: 2016-12-01. Review status: criteria provided, single submitter. Criteria: EGL Classification Definitions 2015. Collection method: clinical testing. Allele origin: germline. Observed: 5 variant alleles, 5 heterozygotes.

PreventionGenetics, part of Exact Sciences
Classification: Likely benign for TNPO3-related condition. Last evaluated: 2020-09-30. Review status: no assertion criteria provided. Collection method: clinical testing. Allele origin: germline. Not counted in ClinVar's aggregate classification.
Comment: This variant is classified as likely benign based on ACMG/AMP sequence variant interpretation guidelines (Richards et al. 2015 PMID: 25741868, with internal and published modifications).